The following is an entry in ClinVar:

ClinVar aggregate classification (germline): Uncertain significance (1 of 4 stars; one submission).

Allele frequency attached by ClinVar (database versions not stated): gnomAD 0.00001; gnomAD exomes 0.00001 and 0.00003; TOPMed 0.00002; ExAC 0.00003.
gnomAD v4.1: 20 of 1,613,698 alleles (0.0012%); highest among the groups gnomAD compares: South Asian, 0.011%; no homozygotes.

Submission:

Labcorp Genetics (formerly Invitae), Labcorp
Classification: Uncertain significance. Last evaluated: 2022-07-19. Review status: criteria provided, single submitter. Criteria: Invitae Variant Classification Sherloc (09022015). Collection method: clinical testing. Allele origin: germline.
Comment: In summary, the available evidence is currently insufficient to determine the role of this variant in disease. Therefore, it has been classified as a Variant of Uncertain Significance. Algorithms developed to predict the effect of missense changes on protein structure and function are either unavailable or do not agree on the potential impact of this missense change (SIFT: "Tolerated"; PolyPhen-2: "Probably Damaging"; Align-GVGD: "Class C15"). ClinVar contains an entry for this variant (Variation ID: 1405667). This variant has not been reported in the literature in individuals affected with EXOC3L2-related conditions. This variant is present in population databases (rs763222027, gnomAD 0.01%). This sequence change replaces arginine, which is basic and polar, with cysteine, which is neutral and slightly polar, at codon 333 of the EXOC3L2 protein (p.Arg333Cys).

NM_001382422.1(EXOC3L2):c.2176C>T (p.Arg726Cys)

Genes: BLOC1S3 (biogenesis of lysosomal organelles complex 1 subunit 3; plus strand), EXOC3L2 (exocyst complex component 3 like 2; minus strand). Cytogenetic location: 19q13.32.
Variant type: single nucleotide variant.
Coding change: c.2176C>T on transcript NM_001382422.1 (MANE Select); coding-DNA position 2176, C replaced by T.
Protein change: p.Arg726Cys; replaces arginine 726 with cysteine.
Molecular consequence: missense variant.
Genome position (GRCh38, 1-based): chr19:45,213,302, G>A on the plus strand (C>T on the coding strand, the complement: EXOC3L2 is on the minus strand). VCF-style: chr19-45213302-G-A. GRCh37 (hg19) VCF-style: chr19-45716560-G-A.
Other names: short protein forms R726C.
Identifiers: ClinVar variation 1405667 (VCV001405667.6), dbSNP rs763222027, ClinGen allele CA9510389.